The following is an entry in ClinVar:

ClinVar aggregate classification (germline): Uncertain significance. Review status: criteria provided, multiple submitters, no conflicts (2 of 4 stars). 3 submissions from 3 submitters: Uncertain significance (3). Last evaluated 2025-11-20.

Conditions:
Inborn genetic diseases. Identifiers: MedGen C0950123, MeSH D030342.

Allele frequency attached by ClinVar (database versions not stated): gnomAD 0.00002; gnomAD exomes below 0.00001; ExAC 0.00001; TOPMed 0.00002.
gnomAD v4.1: 9 of 1,613,976 alleles (0.00056%); highest among the groups gnomAD compares: African/African-American, 0.0027%; no homozygotes.

Submissions (3):

Ambry Genetics
Classification: Uncertain significance for Inborn genetic diseases. Last evaluated: 2025-11-20. Review status: criteria provided, single submitter. Criteria: Ambry Variant Classification Scheme 2023. Collection method: clinical testing. Allele origin: germline.

Women's Health and Genetics/Laboratory Corporation of America, LabCorp
Classification: Uncertain significance. Last evaluated: 2025-04-28. Review status: criteria provided, single submitter. Criteria: LabCorp Variant Classification Summary - May 2015. Collection method: clinical testing. Allele origin: germline.
Comment: Variant summary: MCM3AP c.4999G>A (p.Gly1667Arg) results in a non-conservative amino acid change in the encoded protein sequence. Three of five in-silico tools predict a benign effect of the variant on protein function. The variant allele was found at a frequency of 4e-06 in 250448 control chromosomes (gnomAD). The available data on variant occurrences in the general population are insufficient to allow any conclusion about variant significance. To our knowledge, no occurrence of c.4999G>A in individuals affected with Peripheral neuropathy, autosomal recessive, with or without impaired intellectual development and no experimental evidence demonstrating its impact on protein function have been reported. ClinVar contains an entry for this variant (Variation ID: 1921152). Based on the evidence outlined above, the variant was classified as uncertain significance.

Labcorp Genetics (formerly Invitae), Labcorp
Classification: Uncertain significance. Last evaluated: 2022-06-21. Review status: criteria provided, single submitter. Criteria: Invitae Variant Classification Sherloc (09022015). Collection method: clinical testing. Allele origin: germline.
Comment: This sequence change replaces glycine, which is neutral and non-polar, with arginine, which is basic and polar, at codon 1667 of the MCM3AP protein (p.Gly1667Arg). This variant is present in population databases (rs777598152, gnomAD 0.004%). This variant has not been reported in the literature in individuals affected with MCM3AP-related conditions. Algorithms developed to predict the effect of missense changes on protein structure and function are either unavailable or do not agree on the potential impact of this missense change (SIFT: "Tolerated"; PolyPhen-2: "Possibly Damaging"; Align-GVGD: "Class C0"). In summary, the available evidence is currently insufficient to determine the role of this variant in disease. Therefore, it has been classified as a Variant of Uncertain Significance.

NM_003906.5(MCM3AP):c.4999G>A (p.Gly1667Arg)

Genes: MCM3AP (minichromosome maintenance complex component 3 associated protein; minus strand), MCM3AP-AS1 (MCM3AP antisense RNA 1; plus strand). Cytogenetic location: 21q22.3.
Variant type: single nucleotide variant.
Coding change: c.4999G>A on transcript NM_003906.5 (MANE Select); coding-DNA position 4999, G replaced by A.
Protein change: p.Gly1667Arg; replaces glycine 1667 with arginine.
Molecular consequence: missense variant.
Genome position (GRCh38, 1-based): chr21:46,244,846, C>T on the plus strand (G>A on the coding strand, the complement: MCM3AP is on the minus strand). VCF-style: chr21-46244846-C-T. GRCh37 (hg19) VCF-style: chr21-47664760-C-T.
Other names: c.4999G>A (NM_003906.3); short protein forms G1667R.
Identifiers: ClinVar variation 1921152 (VCV001921152.5), dbSNP rs777598152, ClinGen allele CA10075984.